The following is an entry in ClinVar:

NM_133433.4(NIPBL):c.8369_8390dup (p.Ala2798fs)

Gene: NIPBL (NIPBL cohesin loading factor; plus strand). Cytogenetic location: 5p13.2.
Variant type: Duplication.
Coding change: c.8369_8390dup on transcript NM_133433.4 (MANE Select); coding-DNA positions 8369 to 8390, 22 bases duplicated (AGACTTTACGATCCCTGTATGC).
Protein change: p.Ala2798fs; shifts the reading frame from alanine 2798.
Molecular consequence: frameshift variant. On other transcripts: 3 prime UTR variant (1).
Genome position (GRCh38, 1-based): chr5:37,064,846-37,064,867, AGACTTTACGATCCCTGTATGC duplicated; duplicating any 22 consecutive bases within chr5:37,064,845-37,064,867 gives the same sequence; the c. name uses the placement nearest the transcript's 3' end. VCF-style (leftmost placement, unchanged base first): chr5-37064844-T-TCAGACTTTACGATCCCTGTATG. GRCh37 (hg19) VCF-style: chr5-37064946-T-TCAGACTTTACGATCCCTGTATG.
Other names: c.*823_*844dup (NM_015384.5); short protein forms A2798fs.
Identifiers: ClinVar variation 3360896 (VCV003360896.1).
Genomic context (GRCh38, chr5:37,064,844, plus strand): 5'-AGACATTATTTACAAAAAAATTGCTCTAACGAGTGCTAATAAGCTGACTAATAAAGTTGT[T>TCAGACTTTACGATCCCTGTATG]CAGACTTTACGATCCCTGTATGCCGCCAAGGATGGGACTTCCAGCTAATGAATTTGTACA-3'

ClinVar aggregate classification (germline): Uncertain significance (1 of 4 stars; one submission).

Submission:

GeneDx
Classification: Uncertain significance. Last evaluated: 2023-07-13. Review status: criteria provided, single submitter. Criteria: GeneDx Variant Classification Process June 2021. Collection method: clinical testing. Allele origin: germline. Affected: yes.
Comment: Not observed at significant frequency in large population cohorts (gnomAD); Frameshift variant predicted to result in protein truncation as the last 7 amino acids are replaced with 28 different amino acids, although loss-of-function variants have not been reported downstream of this position in the protein; Has not been previously published as pathogenic or benign to our knowledge